The following is an entry in ClinVar:

ClinVar aggregate classification (germline): Uncertain significance (1 of 4 stars; one submission).

Allele frequency attached by ClinVar (database versions not stated): gnomAD 0.00001; ExAC 0.00002.
gnomAD v4.1: 9 of 1,604,840 alleles (0.00056%); highest among the groups gnomAD compares: Admixed American, 0.015%; no homozygotes.

Submission:

Labcorp Genetics (formerly Invitae), Labcorp
Classification: Uncertain significance. Last evaluated: 2025-08-18. Review status: criteria provided, single submitter. Criteria: Invitae Variant Classification Sherloc (09022015). Collection method: clinical testing. Allele origin: germline.
Comment: This sequence change replaces alanine, which is neutral and non-polar, with threonine, which is neutral and polar, at codon 912 of the PITPNM3 protein (p.Ala912Thr). This variant is present in population databases (rs780611896, gnomAD 0.02%). This variant has not been reported in the literature in individuals affected with PITPNM3-related conditions. ClinVar contains an entry for this variant (Variation ID: 2060264). Invitae Evidence Modeling of protein sequence and biophysical properties (such as structural, functional, and spatial information, amino acid conservation, physicochemical variation, residue mobility, and thermodynamic stability) indicates that this missense variant is not expected to disrupt PITPNM3 protein function with a negative predictive value of 80%. In summary, the available evidence is currently insufficient to determine the role of this variant in disease. Therefore, it has been classified as a Variant of Uncertain Significance.

NM_031220.4(PITPNM3):c.2734G>A (p.Ala912Thr)

Gene: PITPNM3 (PITPNM family member 3; minus strand). Cytogenetic location: 17p13.2.
Variant type: single nucleotide variant.
Coding change: c.2734G>A on transcript NM_031220.4 (MANE Select); coding-DNA position 2734, G replaced by A.
Protein change: p.Ala912Thr; replaces alanine 912 with threonine.
Molecular consequence: missense variant.
Genome position (GRCh38, 1-based): chr17:6,455,529, C>T on the plus strand (G>A on the coding strand, the complement: PITPNM3 is on the minus strand). VCF-style: chr17-6455529-C-T. GRCh37 (hg19) VCF-style: chr17-6358849-C-T.
Other names: c.2626G>A, p.Ala876Thr (NM_001165966.2); short protein forms A876T, A912T.
Identifiers: ClinVar variation 2060264 (VCV002060264.4), dbSNP rs780611896, ClinGen allele CA8329031.